The following is an entry in ClinVar:

NM_201548.5(CERKL):c.1543C>T (p.His515Tyr)

Genes: CERKL (CERK like autophagy regulator; minus strand), ITGA4 (integrin subunit alpha 4; plus strand). Cytogenetic location: 2q31.3.
Variant type: single nucleotide variant.
Coding change: c.1543C>T on transcript NM_201548.5 (MANE Select); coding-DNA position 1543, C replaced by T.
Protein change: p.His515Tyr; replaces histidine 515 with tyrosine.
Molecular consequence: missense variant. On other transcripts: 3 prime UTR variant (1), non-coding transcript variant (2).
Genome position (GRCh38, 1-based): chr2:181,538,240, G>A on the plus strand (C>T on the coding strand, the complement: CERKL is on the minus strand). VCF-style: chr2-181538240-G-A. GRCh37 (hg19) VCF-style: chr2-182402967-G-A.
Other names: c.*2713G>A (NM_000885.6); c.1621C>T, p.His541Tyr (NM_001030311.3); c.1204C>T, p.His402Tyr (NM_001030312.3); c.1336C>T, p.His446Tyr (NM_001030313.3); c.1489C>T, p.His497Tyr (NM_001160277.2); short protein forms H402Y, H497Y, H515Y, H541Y, H446Y.
Identifiers: ClinVar variation 895837 (VCV000895837.9), dbSNP rs781416914, ClinGen allele CA2010383.

ClinVar aggregate classification (germline): Uncertain significance. Review status: criteria provided, multiple submitters, no conflicts (2 of 4 stars). 5 submissions from 5 submitters: Uncertain significance (5). Last evaluated 2026-06-22.

Conditions:
Retinitis pigmentosa (RP). Identifiers: Orphanet 791, MedGen C0035334, MeSH D012174, MONDO:0019200, OMIM 268000. Inheritance: Autosomal dominant, autosomal recessive and X linked inheritance.
CERKL-related disorder. Also called: CERKL-related condition.
Inborn genetic diseases. Identifiers: MedGen C0950123, MeSH D030342.

Allele frequency attached by ClinVar (database versions not stated): gnomAD 0.00002; TOPMed 0.00003; gnomAD exomes 0.00004 and 0.00006; ExAC 0.00005.
gnomAD v4.1: 59 of 1,573,206 alleles (0.0038%); highest among the groups gnomAD compares: Admixed American, 0.0067%; no homozygotes.

Submissions (5):

PreventionGenetics, part of Exact Sciences
Classification: Uncertain significance for CERKL-related condition. Last evaluated: 2026-06-22. Review status: criteria provided, single submitter. Criteria: ACMG Guidelines, 2015. Collection method: clinical testing. Allele origin: germline.
Comment: The CERKL c.1621C>T variant is predicted to result in the amino acid substitution p.His541Tyr. To our knowledge, this variant has not been reported in the literature. This variant is reported in 0.0078% of alleles in individuals of European (Non-Finnish) descent in gnomAD. At this time, the clinical significance of this variant is uncertain due to the absence of conclusive functional and genetic evidence.

Ambry Genetics
Classification: Uncertain significance for Inborn genetic diseases. Last evaluated: 2023-08-10. Review status: criteria provided, single submitter. Criteria: Ambry Variant Classification Scheme 2023. Collection method: clinical testing. Allele origin: germline.

Labcorp Genetics (formerly Invitae), Labcorp
Classification: Uncertain significance. Last evaluated: 2022-04-04. Review status: criteria provided, single submitter. Criteria: Invitae Variant Classification Sherloc (09022015). Collection method: clinical testing. Allele origin: germline.
Comment: This sequence change replaces histidine, which is basic and polar, with tyrosine, which is neutral and polar, at codon 541 of the CERKL protein (p.His541Tyr). This variant is present in population databases (rs781416914, gnomAD 0.009%). This variant has not been reported in the literature in individuals affected with CERKL-related conditions. ClinVar contains an entry for this variant (Variation ID: 895837). Algorithms developed to predict the effect of missense changes on protein structure and function are either unavailable or do not agree on the potential impact of this missense change (SIFT: "Tolerated"; PolyPhen-2: "Probably Damaging"; Align-GVGD: "Class C0"). In summary, the available evidence is currently insufficient to determine the role of this variant in disease. Therefore, it has been classified as a Variant of Uncertain Significance.

Blueprint Genetics
Classification: Uncertain significance. Last evaluated: 2022-01-17. Review status: criteria provided, single submitter. Criteria: ACMG Guidelines, 2015. Collection method: clinical testing. Allele origin: germline.

Illumina Laboratory Services, Illumina
Classification: Uncertain significance for Retinitis pigmentosa. Last evaluated: 2018-01-12. Review status: criteria provided, single submitter. Criteria: ICSL Variant Classification Criteria 13 December 2019. Collection method: clinical testing. Allele origin: germline.